The following is an entry in ClinVar:

ClinVar aggregate classification (germline): Uncertain significance (1 of 4 stars; one submission).

gnomAD v4.1: 16 of 1,599,512 alleles (0.001%); highest among the groups gnomAD compares: East Asian, 0.034%; no homozygotes.

Submission:

Labcorp Genetics (formerly Invitae), Labcorp
Classification: Uncertain significance. Last evaluated: 2025-04-21. Review status: criteria provided, single submitter. Criteria: Invitae Variant Classification Sherloc (09022015). Collection method: clinical testing. Allele origin: germline.
Comment: This sequence change affects codon 275 of the HPS5 mRNA. It is a 'silent' change, meaning that it does not change the encoded amino acid sequence of the HPS5 protein. It affects a nucleotide within the consensus splice site. This variant is present in population databases (rs768411656, gnomAD 0.03%). This variant has not been reported in the literature in individuals affected with HPS5-related conditions. Algorithms developed to predict the effect of sequence changes on RNA splicing suggest that this variant is not likely to affect RNA splicing. In summary, the available evidence is currently insufficient to determine the role of this variant in disease. Therefore, it has been classified as a Variant of Uncertain Significance.

NM_181507.2(HPS5):c.825A>G (p.Arg275=)

Gene: HPS5 (HPS5 biogenesis of lysosomal organelles complex 2 subunit 2; minus strand). Cytogenetic location: 11p15.1.
Variant type: single nucleotide variant.
Coding change: c.825A>G on transcript NM_181507.2 (MANE Select); coding-DNA position 825, A replaced by G.
Protein change: p.Arg275=; no amino-acid change (arginine 275 retained).
Molecular consequence: synonymous variant. On other transcripts: intron variant (3).
Genome position (GRCh38, 1-based): chr11:18,305,493, T>C on the plus strand (A>G on the coding strand, the complement: HPS5 is on the minus strand). VCF-style: chr11-18305493-T-C. GRCh37 (hg19) VCF-style: chr11-18327040-T-C.
Other names: c.825A>G, p.Arg275= (NM_001440902.1, NM_001440903.1, NM_001440904.1 and 5 more transcripts); c.750A>G, p.Arg250= (NM_001440907.1, NM_001440908.1, NM_001440909.1); c.714A>G, p.Arg238= (NM_001440913.1, NM_001440914.1, NM_001440915.1); c.639A>G, p.Arg213= (NM_001440918.1); c.612A>G, p.Arg204= (NM_001440919.1); c.483A>G, p.Arg161= (NM_001440920.1, NM_001440921.1, NM_001440922.1 and 7 more transcripts); c.482+642A>G (NM_001440929.1, NM_001440928.1, NM_001440927.1).
Identifiers: ClinVar variation 4773693 (VCV004773693.1).